The following is an entry in ClinVar:

ClinVar aggregate classification (germline): Benign/Likely benign. Review status: criteria provided, multiple submitters, no conflicts (2 of 4 stars). 8 submissions from 7 submitters: Benign (4); Likely benign (4). Last evaluated 2025-10-03.

Conditions:
Autosomal recessive ataxia, Beauce type. Also called: SYNE1-Related Autosomal Recessive Cerebellar Ataxia; Spinocerebellar ataxia, autosomal recessive 8; SYNE1 Deficiency; ATAXIA, RECESSIVE, OF BEAUCE. Identifiers: Orphanet 88644, MedGen C1853116, MONDO:0012549, OMIM 610743.
Emery-Dreifuss muscular dystrophy 4, autosomal dominant (EDMD4). Also called: EMERY-DREIFUSS MUSCULAR DYSTROPHY 4 WITH VARIABLE FEATURES. Identifiers: Orphanet 261, MedGen C2751807, MONDO:0013071, OMIM 612998.

Allele frequency attached by ClinVar (database versions not stated): 1000 Genomes Project 30x 0.00031; gnomAD exomes 0.00058; TOPMed 0.00024; gnomAD 0.00021 and 0.00023; 1000 Genomes Project 0.00040; ExAC 0.00055.
gnomAD v4.1: 254 of 1,614,110 alleles (0.016%); highest among the groups gnomAD compares: East Asian, 0.42%; no homozygotes.

Submissions (8):

Athena Diagnostics
Classification: Benign. Last evaluated: 2025-10-03. Review status: criteria provided, single submitter. Criteria: Athena Diagnostics Criteria. Collection method: clinical testing. Allele origin: unknown.
Comment: The frequency of this variant in the general population is higher than would generally be expected for pathogenic variants in this gene.

Labcorp Genetics (formerly Invitae), Labcorp
Classification: Benign for Emery-Dreifuss muscular dystrophy 4, autosomal dominant; Autosomal recessive ataxia, Beauce type. Last evaluated: 2025-09-02. Review status: criteria provided, single submitter. Criteria: Invitae Variant Classification Sherloc (09022015). Collection method: clinical testing. Allele origin: germline.

Blueprint Genetics
Classification: Likely benign. Last evaluated: 2024-11-18. Review status: criteria provided, single submitter. Criteria: ACMG Guidelines, 2015. Collection method: clinical testing. Allele origin: germline.

CeGaT Center for Human Genetics Tuebingen
Classification: Likely benign. Last evaluated: 2023-04-01. Review status: criteria provided, single submitter. Criteria: CeGaT Center For Human Genetics Tuebingen Variant Classification Criteria Version 2. Collection method: clinical testing. Allele origin: germline. Affected: yes. Observed: 2 variant alleles.
Comment: SYNE1: BP4, BP7

Illumina Laboratory Services, Illumina
Classification: Likely benign for Autosomal recessive ataxia, Beauce type. Last evaluated: 2018-01-13. Review status: criteria provided, single submitter. Criteria: ICSL Variant Classification Criteria 13 December 2019. Collection method: clinical testing. Allele origin: germline.
Comment: This variant was observed in the ICSL laboratory as part of a predisposition screen in an ostensibly healthy population. It had not been previously curated by ICSL or reported in the Human Gene Mutation Database (HGMD: prior to June 1st, 2018), and was therefore a candidate for classification through an automated scoring system. Utilizing variant allele frequency, disease prevalence and penetrance estimates, and inheritance mode, an automated score was calculated to assess if this variant is too frequent to cause the disease. Based on the score and internal cut-off values, a variant classified as likely benign is not then subjected to further curation. The score for this variant resulted in a classification of likely benign for this disease.

Illumina Laboratory Services, Illumina
Classification: Benign for Emery-Dreifuss muscular dystrophy 4, autosomal dominant. Last evaluated: 2018-01-13. Review status: criteria provided, single submitter. Criteria: ICSL Variant Classification Criteria 13 December 2019. Collection method: clinical testing. Allele origin: germline.
Comment: This variant was observed in the ICSL laboratory as part of a predisposition screen in an ostensibly healthy population. It had not been previously curated by ICSL or reported in the Human Gene Mutation Database (HGMD: prior to June 1st, 2018), and was therefore a candidate for classification through an automated scoring system. Utilizing variant allele frequency, disease prevalence and penetrance estimates, and inheritance mode, an automated score was calculated to assess if this variant is too frequent to cause the disease. Based on the score and internal cut-off values, a variant classified as benign is not then subjected to further curation. The score for this variant resulted in a classification of benign for this disease.

GeneDx
Classification: Likely benign. Last evaluated: 2016-12-27. Review status: criteria provided, single submitter. Criteria: GeneDx Variant Classification (06012015). Collection method: clinical testing. Allele origin: germline. Affected: yes.
Comment: This variant is considered likely benign or benign based on one or more of the following criteria: it is a conservative change, it occurs at a poorly conserved position in the protein, it is predicted to be benign by multiple in silico algorithms, and/or has population frequency not consistent with disease.

Eurofins Ntd Llc (ga)
Classification: Benign. Last evaluated: 2015-12-08. Review status: criteria provided, single submitter. Criteria: EGL Classification Definitions 2015. Collection method: clinical testing. Allele origin: germline. Observed: 1 variant allele, 1 heterozygote.

NM_182961.4(SYNE1):c.26298A>G (p.Pro8766=)

Genes: ESR1 (estrogen receptor 1; plus strand), SYNE1 (spectrin repeat containing nuclear envelope protein 1; minus strand). Cytogenetic location: 6q25.2.
Variant type: single nucleotide variant.
Coding change: c.26298A>G on transcript NM_182961.4 (MANE Select); coding-DNA position 26298, A replaced by G.
Protein change: p.Pro8766=; no amino-acid change (proline 8766 retained).
Molecular consequence: synonymous variant. On other transcripts: 3 prime UTR variant (1), intron variant (1).
Genome position (GRCh38, 1-based): chr6:152,122,532, T>C on the plus strand (A>G on the coding strand, the complement: SYNE1 is on the minus strand). VCF-style: chr6-152122532-T-C. GRCh37 (hg19) VCF-style: chr6-152443667-T-C.
Other names: c.26298A>G (NM_182961.2); c.*109A>G (NM_001347701.2); c.2832A>G, p.Pro944= (NM_001347702.2); c.26154A>G, p.Pro8718= (NM_033071.5); c.851-2734T>C (NM_001328100.2).
Identifiers: ClinVar variation 285052 (VCV000285052.44), dbSNP rs200880341, ClinGen allele CA4052591.